The following is an entry in ClinVar:

NM_014000.3(VCL):c.323_327delinsAAGCAG (p.Leu108fs)

Gene: VCL (vinculin; plus strand). Cytogenetic location: 10q22.2.
Variant type: Indel.
Coding change: c.323_327delinsAAGCAG on transcript NM_014000.3 (MANE Select); coding-DNA positions 323 to 327, TAATT replaced by AAGCAG.
Protein change: p.Leu108fs; shifts the reading frame from leucine 108.
Molecular consequence: frameshift variant.
Genome position (GRCh38, 1-based): chr10:74,070,753-74,070,757, TAATT replaced by AAGCAG. VCF-style: chr10-74070753-TAATT-AAGCAG. GRCh37 (hg19) VCF-style: chr10-75830511-TAATT-AAGCAG.
Other names: c.323_327delinsAAGCAG, p.Leu108fs (NM_003373.4); short protein forms L108fs.
Identifiers: ClinVar variation 3255112 (VCV003255112.1), dbSNP rs2549212029.
Genomic context (GRCh38, chr10:74,070,753, plus strand): 5'-TTGTCCAGGCAGCTCAGATGCTTCAGTCAGACCCTTACTCAGTGCCTGCTCGAGATTATC[TAATT>AAGCAG]GATGGGTCAAGGGGCATCCTCTCTGGAACATCAGACCTGCTCCTTACCTTCGATGAGGCT-3'

ClinVar aggregate classification (germline): Uncertain significance (1 of 4 stars; one submission).

Conditions:
Dilated cardiomyopathy 1W (CMD1W). Identifiers: Orphanet 154, MedGen C1969639, MONDO:0012667, OMIM 611407.

Submission:

Victorian Clinical Genetics Services, Murdoch Childrens Research Institute
Classification: Uncertain significance for Dilated cardiomyopathy 1W. Last evaluated: 2023-07-17. Review status: criteria provided, single submitter. Criteria: ACMG Guidelines, 2015. Collection method: clinical testing. Allele origin: germline. Inheritance: Autosomal dominant inheritance. Affected: yes.
Comment: Based on the classification scheme VCGS_Germline_v1.3.4, this variant is classified as VUS-3B. Following criteria are met: 0105 - The mechanism of disease for this gene is not clearly established. However, null variants have been reported in patients and therefore loss-of-function is speculated (PMID: 32516855). (I) 0107 - This gene is associated with autosomal dominant disease. (I) 0201 - Variant is predicted to cause nonsense-mediated decay (NMD) and loss of protein (premature termination codon is located at least 54 nucleotides upstream of the final exon-exon junction). (SP) 0251 - This variant is heterozygous. (I) 0301 - Variant is absent from gnomAD (both v2 and v3). (SP) 0708 - Other null variants comparable to the one identified in this case have conflicting previous evidence for pathogenicity. Other NMD-predicted variants have been classified as VUS, likely pathogenic or pathogenic and associated with cardiomyopathy, DCM, HCM, bradycardia, LVNC and ventricular tachycardia (ClinVar, PMID: 32516855). (I) 0807 - This variant has no previous evidence of pathogenicity. (I) 0905 - No published segregation evidence has been identified for this variant. (I) 1007 - No published functional evidence has been identified for this variant. (I) 1208 - Inheritance information for this variant is not currently available in this individual. (I) Legend: (SP) - Supporting pathogenic, (I) - Information, (SB) - Supporting benign

Literature cited by the submitters: PubMed 32516855.